The following is an entry in ClinVar:

ClinVar aggregate classification (germline): Uncertain significance. Review status: criteria provided, multiple submitters, no conflicts (2 of 4 stars). 6 submissions from 6 submitters: Uncertain significance (6). Last evaluated 2026-01-21.

Conditions:
Wolfram-like syndrome. Also called: HEARING LOSS, PROGRESSIVE, WITH OPTIC ATROPHY AND/OR IMPAIRED GLUCOSE REGULATION. Identifiers: Orphanet 411590, MedGen C3280358, MONDO:0013673, OMIM 614296.
Wolfram syndrome 1 (WFS1). Identifiers: Orphanet 3463, MedGen C4551693, MONDO:0009101, OMIM 222300.
Cataract 41 (CTRCT41). Also called: CATARACT 41, CONGENITAL NUCLEAR TYPE. Identifiers: Orphanet 91492, Orphanet 98991, Orphanet 98992, Orphanet 98995, MedGen C3805412, MONDO:0007287, OMIM 116400.
Autosomal dominant nonsyndromic hearing loss 6 (LFSNHL). Also called: DEAFNESS, AUTOSOMAL DOMINANT 6; DEAFNESS, AUTOSOMAL DOMINANT 14; DEAFNESS, AUTOSOMAL DOMINANT 38; Autosomal dominant nonsyndromic deafness 6. Identifiers: Orphanet 90635, MedGen C1833021, MONDO:0010963, OMIM 600965.
Type 2 diabetes mellitus. Also called: Type II diabetes mellitus. Identifiers: MedGen C0011860, MeSH D003924, MONDO:0005148, OMIM 125853, HP:0005978.
WFS1-related disorder. Identifiers: MedGen CN379391, MONDO:0700293.
Inborn genetic diseases. Identifiers: MedGen C0950123, MeSH D030342.

Allele frequency attached by ClinVar (database versions not stated): gnomAD 0.00004 and 0.00005; ExAC 0.00005; gnomAD exomes 0.00005 and 0.00006; TOPMed 0.00005.
gnomAD v4.1: 76 of 1,612,908 alleles (0.0047%); highest among the groups gnomAD compares: South Asian, 0.012%; no homozygotes.

Submissions (6):

Labcorp Genetics (formerly Invitae), Labcorp
Classification: Uncertain significance. Last evaluated: 2026-01-21. Review status: criteria provided, single submitter. Criteria: Invitae Variant Classification Sherloc (09022015). Collection method: clinical testing. Allele origin: germline.
Comment: This sequence change replaces glycine, which is neutral and non-polar, with serine, which is neutral and polar, at codon 562 of the WFS1 protein (p.Gly562Ser). This variant is present in population databases (rs753237278, gnomAD 0.03%). This variant has not been reported in the literature in individuals affected with WFS1-related conditions. ClinVar contains an entry for this variant (Variation ID: 1415009). Invitae Evidence Modeling of protein sequence and biophysical properties (such as structural, functional, and spatial information, amino acid conservation, physicochemical variation, residue mobility, and thermodynamic stability) has been performed for this missense variant. However, the output from this modeling did not meet the statistical confidence thresholds required to predict the impact of this variant on WFS1 protein function. In summary, the available evidence is currently insufficient to determine the role of this variant in disease. Therefore, it has been classified as a Variant of Uncertain Significance.

GeneDx
Classification: Uncertain significance. Last evaluated: 2025-10-11. Review status: criteria provided, single submitter. Criteria: GeneDx Variant Classification Process June 2021. Collection method: clinical testing. Allele origin: germline.
Comment: In silico analysis supports that this missense variant has a deleterious effect on protein structure/function; Has not been previously published as pathogenic or benign to our knowledge

PreventionGenetics, part of Exact Sciences
Classification: Uncertain significance for WFS1-related condition. Last evaluated: 2025-01-18. Review status: criteria provided, single submitter. Criteria: ACMG Guidelines, 2015. Collection method: clinical testing. Allele origin: germline.
Comment: The WFS1 c.1684G>A variant is predicted to result in the amino acid substitution p.Gly562Ser. To our knowledge, this variant has not been reported in the literature. This variant is reported in 0.029% of alleles in individuals of South Asian descent in gnomAD. At this time, the clinical significance of this variant is uncertain due to the absence of conclusive functional and genetic evidence.

Blueprint Genetics
Classification: Uncertain significance. Last evaluated: 2024-07-17. Review status: criteria provided, single submitter. Criteria: ACMG Guidelines, 2015. Collection method: clinical testing. Allele origin: germline.

Fulgent Genetics
Classification: Uncertain significance for Cataract 41; Type 2 diabetes mellitus; Wolfram syndrome 1; Autosomal dominant nonsyndromic hearing loss 6; Wolfram-like syndrome. Last evaluated: 2024-01-09. Review status: criteria provided, single submitter. Criteria: ACMG Guidelines, 2015. Collection method: clinical testing. Allele origin: germline.

Ambry Genetics
Classification: Uncertain significance for Inborn genetic diseases. Last evaluated: 2022-10-21. Review status: criteria provided, single submitter. Criteria: Ambry Variant Classification Scheme 2023. Collection method: clinical testing. Allele origin: germline.
Comment: Unlikely to be causative of autosomal dominant WFS1-related Wolfram syndrome Based on insufficient or conflicting evidence, the clinical significance of this alteration remains unclear.

NM_006005.3(WFS1):c.1684G>A (p.Gly562Ser)

Gene: WFS1 (wolframin ER transmembrane glycoprotein; plus strand). Cytogenetic location: 4p16.1.
Variant type: single nucleotide variant.
Coding change: c.1684G>A on transcript NM_006005.3 (MANE Select); coding-DNA position 1684, G replaced by A.
Protein change: p.Gly562Ser; replaces glycine 562 with serine.
Molecular consequence: missense variant.
Genome position (GRCh38, 1-based): chr4:6,301,479, G>A. VCF-style: chr4-6301479-G-A. GRCh37 (hg19) VCF-style: chr4-6303206-G-A.
Other names: c.1684G>A, p.Gly562Ser (NM_001145853.1); short protein forms G562S.
Identifiers: ClinVar variation 1415009 (VCV001415009.13), dbSNP rs753237278, ClinGen allele CA2839446.